The following is an entry in ClinVar:

ClinVar aggregate classification (germline): Uncertain significance (1 of 4 stars; one submission).

Conditions:
SDCCAG8-related disorder. Also called: SDCCAG8-related condition; SDCCAG8-Related Disorders.

Submission:

PreventionGenetics, part of Exact Sciences
Classification: Uncertain significance for SDCCAG8-related condition. Last evaluated: 2026-06-08. Review status: criteria provided, single submitter. Criteria: ACMG Guidelines, 2015. Collection method: clinical testing. Allele origin: germline.
Comment: The SDCCAG8 c.599A>G variant is predicted to result in the amino acid substitution p.Glu200Gly. To our knowledge, this variant has not been reported in the literature or in a large population database (gnomAD), indicating this variant is rare. At this time, the clinical significance of this variant is uncertain due to the absence of conclusive functional and genetic evidence.

NM_006642.5(SDCCAG8):c.599A>G (p.Glu200Gly)

Gene: SDCCAG8 (SHH signaling and ciliogenesis regulator SDCCAG8; plus strand). Cytogenetic location: 1q43.
Variant type: single nucleotide variant.
Coding change: c.599A>G on transcript NM_006642.5 (MANE Select); coding-DNA position 599, A replaced by G.
Protein change: p.Glu200Gly; replaces glutamic acid 200 with glycine.
Molecular consequence: missense variant. On other transcripts: 5 prime UTR variant (3).
Genome position (GRCh38, 1-based): chr1:243,293,143, A>G. VCF-style: chr1-243293143-A-G. GRCh37 (hg19) VCF-style: chr1-243456445-A-G.
Other names: c.-514A>G (NM_001350246.2); c.-402A>G (NM_001350247.2); c.599A>G, p.Glu200Gly (NM_001350248.2); c.305A>G, p.Glu102Gly (NM_001350249.2); c.-775A>G (NM_001350251.2); short protein forms E102G, E200G.
Identifiers: ClinVar variation 4986606 (VCV004986606.1).